The following is an entry in ClinVar:

NM_017646.6(TRIT1):c.704-271AT[3]

Gene: TRIT1 (tRNA isopentenyltransferase 1; minus strand). Cytogenetic location: 1p34.2.
Variant type: Microsatellite.
Coding change: c.704-271AT[3] on transcript NM_017646.6 (MANE Select); three copies in a row of the 2-base unit AT starting at c.704-271; the reference has two copies in a row; one copy, 2 bases duplicated.
Molecular consequence: intron variant.
Genome position (GRCh38, 1-based): chr1:39,848,365-39,848,366, AT duplicated on the plus strand (AT on the coding strand, the reverse complement: TRIT1 is on the minus strand); duplicating any 2 consecutive bases within chr1:39,848,365-39,848,368 gives the same sequence; the position shown is the placement nearest the transcript's 3' end. VCF-style (leftmost placement, unchanged base first): chr1-39848364-A-AAT. GRCh37 (hg19) VCF-style: chr1-40314036-A-AAT.
Other names: c.464-277AT[3] (NM_001312692.1); c.704-271AT[3] (NM_001312691.1).
Identifiers: ClinVar variation 673191 (VCV000673191.1), dbSNP rs555291147, ClinGen allele CA20970223.

ClinVar aggregate classification (germline): Likely benign (1 of 4 stars; one submission).

Submission:

GeneDx
Classification: Likely benign. Last evaluated: 2018-06-14. Review status: criteria provided, single submitter. Criteria: GeneDx Variant Classification (06012015). Collection method: clinical testing. Allele origin: germline. Affected: yes.
Comment: This variant is considered likely benign or benign based on one or more of the following criteria: it is a conservative change, it occurs at a poorly conserved position in the protein, it is predicted to be benign by multiple in silico algorithms, and/or has population frequency not consistent with disease.